The following is an entry in ClinVar:

NM_139215.3(TAF15):c.726G>A (p.Gly242=)

Gene: TAF15 (TATA-box binding protein associated factor 15; plus strand). Cytogenetic location: 17q12.
Variant type: single nucleotide variant.
Coding change: c.726G>A on transcript NM_139215.3 (MANE Select); coding-DNA position 726, G replaced by A.
Protein change: p.Gly242=; no amino-acid change (glycine 242 retained).
Molecular consequence: synonymous variant.
Genome position (GRCh38, 1-based): chr17:35,836,184, G>A. VCF-style: chr17-35836184-G-A. GRCh37 (hg19) VCF-style: chr17-34163188-G-A.
Other names: p.Gly242=; c.717G>A, p.Gly239= (NM_003487.4).
Identifiers: ClinVar variation 724070 (VCV000724070.33), dbSNP rs144851351, ClinGen allele CA290036505.

ClinVar aggregate classification (germline): Benign/Likely benign. Review status: criteria provided, multiple submitters, no conflicts (2 of 4 stars). 6 submissions from 6 submitters: Benign (1); Likely benign (4). 1 of the submissions does not count toward it. Last evaluated 2025-04-04.

Conditions:
TAF15-related disorder. Also called: TAF15-related condition.

Allele frequency attached by ClinVar (database versions not stated): gnomAD exomes 0.00116 and 0.00093; 1000 Genomes Project 0.00040; 1000 Genomes Project 30x 0.00047; TOPMed 0.00081; ESP Exome Variant Server 0.00085; gnomAD 0.00086 and 0.00087; ExAC 0.00090.
gnomAD v4.1: 1,812 of 1,613,728 alleles (0.11%); highest among the groups gnomAD compares: Non-Finnish European, 0.14%; 2 homozygotes.

Submissions (6):

Mayo Clinic Laboratories, Mayo Clinic
Classification: Likely benign. Last evaluated: 2025-04-04. Review status: criteria provided, single submitter. Criteria: ACMG Guidelines, 2015. Collection method: clinical testing. Allele origin: germline. Observed: 3 variant alleles.
Comment: BS2, BP4, BP7

CeGaT Center for Human Genetics Tuebingen
Classification: Likely benign. Last evaluated: 2022-03-01. Review status: criteria provided, single submitter. Criteria: CeGaT Center For Human Genetics Tuebingen Variant Classification Criteria Version 2. Collection method: clinical testing. Allele origin: germline. Affected: yes. Observed: 1 variant allele.
Comment: TAF15: BP4, BP7

GeneDx
Classification: Benign. Last evaluated: 2021-05-07. Review status: criteria provided, single submitter. Criteria: GeneDx Variant Classification Process June 2021. Collection method: clinical testing. Allele origin: germline. Affected: yes.

Labcorp Genetics (formerly Invitae), Labcorp
Classification: Likely benign. Last evaluated: 2019-12-31. Review status: criteria provided, single submitter. Criteria: Invitae Variant Classification Sherloc (09022015). Collection method: clinical testing. Allele origin: germline.

Breakthrough Genomics
Classification: Likely benign. Review status: criteria provided, single submitter. Criteria: ACMG Guidelines, 2015. Collection method: not provided. Allele origin: germline. Inheritance: Unknown mechanism. Affected: yes.

PreventionGenetics, part of Exact Sciences
Classification: Likely benign for TAF15-related condition. Last evaluated: 2019-06-11. Review status: no assertion criteria provided. Collection method: clinical testing. Allele origin: germline. Not counted in ClinVar's aggregate classification.
Comment: This variant is classified as likely benign based on ACMG/AMP sequence variant interpretation guidelines (Richards et al. 2015 PMID: 25741868, with internal and published modifications).